The following is an entry in ClinVar:

NM_152393.4(KLHL40):c.1792C>T (p.Arg598Trp)

Gene: KLHL40 (kelch like family member 40; plus strand). Cytogenetic location: 3p22.1.
Variant type: single nucleotide variant.
Coding change: c.1792C>T on transcript NM_152393.4 (MANE Select); coding-DNA position 1792, C replaced by T.
Protein change: p.Arg598Trp; replaces arginine 598 with tryptophan.
Molecular consequence: missense variant.
Genome position (GRCh38, 1-based): chr3:42,691,919, C>T. VCF-style: chr3-42691919-C-T. GRCh37 (hg19) VCF-style: chr3-42733411-C-T.
Other names: short protein forms R598W.
Identifiers: ClinVar variation 566417 (VCV000566417.3), dbSNP rs767572121, ClinGen allele CA2337095.

ClinVar aggregate classification (germline): Uncertain significance (1 of 4 stars; one submission).

Conditions:
Nemaline myopathy 8 (NEM8). Also called: Nemaline myopathy 8, autosomal recessive. Identifiers: Orphanet 171430, MedGen C3809209, MONDO:0014138, OMIM 615348.

Allele frequency attached by ClinVar (database versions not stated): gnomAD below 0.00001 and 0.00001; ExAC 0.00001; TOPMed 0.00001.

Submission:

Labcorp Genetics (formerly Invitae), Labcorp
Classification: Uncertain significance for Nemaline myopathy 8. Last evaluated: 2021-09-01. Review status: criteria provided, single submitter. Criteria: Invitae Variant Classification Sherloc (09022015). Collection method: clinical testing. Allele origin: germline.
Comment: This sequence change replaces arginine with tryptophan at codon 598 of the KLHL40 protein (p.Arg598Trp). The arginine residue is moderately conserved and there is a moderate physicochemical difference between arginine and tryptophan. This variant is present in population databases (rs767572121, ExAC 0.001%). This variant has not been reported in the literature in individuals affected with KLHL40-related conditions. Algorithms developed to predict the effect of missense changes on protein structure and function are either unavailable or do not agree on the potential impact of this missense change (SIFT: "Deleterious"; PolyPhen-2: "Probably Damaging"; Align-GVGD: "Class C0"). In summary, the available evidence is currently insufficient to determine the role of this variant in disease. Therefore, it has been classified as a Variant of Uncertain Significance.